The following is an entry in ClinVar:

ClinVar aggregate classification (germline): Benign/Likely benign. Review status: criteria provided, multiple submitters, no conflicts (2 of 4 stars). 9 submissions from 9 submitters: Benign (6); Likely benign (3). Last evaluated 2026-09-01.

Conditions:
Ullrich congenital muscular dystrophy 2 (UCMD2). Identifiers: Orphanet 75840, MedGen C4225314, MONDO:0014654, OMIM 616470.
Bethlem myopathy 2 (BTHLM2). Identifiers: Orphanet 536516, Orphanet 610, MedGen C4225313, MONDO:0034022, OMIM 616471.

Allele frequency attached by ClinVar (database versions not stated): 1000 Genomes Project 30x 0.00234; 1000 Genomes Project 0.00240; TOPMed 0.00733; gnomAD 0.00867; ExAC 0.00926; ESP Exome Variant Server 0.00936.
gnomAD v4.1: 17,542 of 1,613,766 alleles (1.1%); highest among the groups gnomAD compares: Non-Finnish European, 1.1%; 122 homozygotes.

Submissions (9):

CeGaT Center for Human Genetics Tuebingen
Classification: Benign. Last evaluated: 2026-09-01. Review status: criteria provided, single submitter. Criteria: CeGaT Center For Human Genetics Tuebingen Variant Classification Criteria Version 2. Collection method: clinical testing. Allele origin: germline. Affected: yes. Observed: 49 variant alleles.
Comment: COL12A1: BS1, BS2

Women's Health and Genetics/Laboratory Corporation of America, LabCorp
Classification: Likely benign. Last evaluated: 2026-04-06. Review status: criteria provided, single submitter. Criteria: LabCorp Variant Classification Summary - May 2015. Collection method: clinical testing. Allele origin: germline.

Labcorp Genetics (formerly Invitae), Labcorp
Classification: Benign for Bethlem myopathy 2; Ullrich congenital muscular dystrophy 2. Last evaluated: 2026-02-03. Review status: criteria provided, single submitter. Criteria: Invitae Variant Classification Sherloc (09022015). Collection method: clinical testing. Allele origin: germline.

Mayo Clinic Laboratories, Mayo Clinic
Classification: Benign. Last evaluated: 2023-06-16. Review status: criteria provided, single submitter. Criteria: ACMG Guidelines, 2015. Collection method: clinical testing. Allele origin: germline. Observed: 71 variant alleles.

GeneDx
Classification: Benign. Last evaluated: 2018-10-19. Review status: criteria provided, single submitter. Criteria: GeneDx Variant Classification Process June 2021. Collection method: clinical testing. Allele origin: germline. Affected: yes.

Genetic Services Laboratory, University of Chicago
Classification: Benign. Last evaluated: 2017-11-07. Review status: criteria provided, single submitter. Criteria: ACMG Guidelines, 2015. Collection method: clinical testing. Allele origin: germline. Affected: no.

Center for Pediatric Genomic Medicine, Children's Mercy Hospital and Clinics
Classification: Likely benign. Last evaluated: 2017-01-12. Review status: criteria provided, single submitter. Criteria: ACMG Guidelines, 2015. Collection method: clinical testing. Allele origin: germline.
ClinVar note: Converted during submission from Likely Benign to Likely benign.

Breakthrough Genomics
Classification: Likely benign. Review status: criteria provided, single submitter. Criteria: ACMG Guidelines, 2015. Collection method: not provided. Allele origin: germline. Inheritance: Autosomal recessive inheritance. Affected: yes.

PreventionGenetics, part of Exact Sciences
Classification: Benign. Review status: criteria provided, single submitter. Criteria: ACMG Guidelines, 2015. Collection method: clinical testing. Allele origin: germline.

NM_004370.6(COL12A1):c.8237T>C (p.Val2746Ala)

Gene: COL12A1 (collagen type XII alpha 1 chain; minus strand). Cytogenetic location: 6q13.
Variant type: single nucleotide variant.
Coding change: c.8237T>C on transcript NM_004370.6 (MANE Select); coding-DNA position 8237, T replaced by C.
Protein change: p.Val2746Ala; replaces valine 2746 with alanine.
Molecular consequence: missense variant.
Genome position (GRCh38, 1-based): chr6:75,105,234, A>G on the plus strand (T>C on the coding strand, the complement: COL12A1 is on the minus strand). VCF-style: chr6-75105234-A-G. GRCh37 (hg19) VCF-style: chr6-75814950-A-G.
Other names: p.Val2746Ala; c.4745T>C, p.Val1582Ala (NM_080645.3); short protein forms V2746A, V1582A.
Identifiers: ClinVar variation 259349 (VCV000259349.54), dbSNP rs34369939, ClinGen allele CA3892339.